The following is an entry in ClinVar:

NM_000321.3(RB1):c.2179G>A (p.Ala727Thr)

Gene: RB1 (RB transcriptional corepressor 1; plus strand). Cytogenetic location: 13q14.2.
Variant type: single nucleotide variant.
Coding change: c.2179G>A on transcript NM_000321.3 (MANE Select); coding-DNA position 2179, G replaced by A.
Protein change: p.Ala727Thr; replaces alanine 727 with threonine.
Molecular consequence: missense variant.
Genome position (GRCh38, 1-based): chr13:48,463,803, G>A. VCF-style: chr13-48463803-G-A. GRCh37 (hg19) VCF-style: chr13-49037939-G-A.
Other names: c.2179G>A, p.Ala727Thr (NM_001407165.1); short protein forms A727T.
Identifiers: ClinVar variation 5027920 (VCV005027920.1).

ClinVar aggregate classification (germline): Uncertain significance (1 of 4 stars; one submission).

Conditions:
Hereditary cancer-predisposing syndrome. Also called: Neoplastic Syndromes, Hereditary; Tumor predisposition; Hereditary neoplastic syndrome; Hereditary Cancer Syndrome. Identifiers: Orphanet 140162, MedGen C0027672, MeSH D009386, MONDO:0015356.

Submission:

Ambry Genetics
Classification: Uncertain significance for Hereditary cancer-predisposing syndrome. Last evaluated: 2026-06-30. Review status: criteria provided, single submitter. Criteria: Ambry Variant Classification Scheme 2023. Collection method: clinical testing. Allele origin: germline.
Comment: The p.A727T variant (also known as c.2179G>A), located in coding exon 21 of the RB1 gene, results from a G to A substitution at nucleotide position 2179. The alanine at codon 727 is replaced by threonine, an amino acid with similar properties. This amino acid position is highly conserved in available vertebrate species. In addition, this alteration is predicted to be deleterious by in silico analysis. Based on the available evidence, the clinical significance of this variant remains unclear.